The following is an entry in ClinVar:

ClinVar aggregate classification (germline): Uncertain significance (1 of 4 stars; one submission).

Conditions:
Intellectual developmental disorder, autosomal dominant 67 (MRD67). Also called: MENTAL RETARDATION, AUTOSOMAL DOMINANT 67. Identifiers: MedGen C5677006, MONDO:0030964, OMIM 619927.

gnomAD v4.1: 69 of 1,613,776 alleles (0.0043%); highest among the groups gnomAD compares: South Asian, 0.029%; no homozygotes.

Submission:

Pittsburgh Clinical Genomics Laboratory, University of Pittsburgh Medical Center
Classification: Uncertain significance for Intellectual developmental disorder, autosomal dominant 67. Last evaluated: 2024-03-08. Review status: criteria provided, single submitter. Criteria: ACMG Guidelines, 2015. Collection method: clinical testing. Allele origin: germline. Inheritance: Autosomal unknown. Affected: yes.
Comment: This sequence variant is a single nucleotide substitution (G>A) at position 623 of the coding sequence of the GRIA1 gene that results in an arginine to histidine amino acid change at residue 208 of the glutamate ionotropic receptor AMPA type subunit 1 protein. This variant is absent from ClinVar but has been observed in de novo in individuals with autism spectrum disorder (PMID: 26749308, 31332282, 27363847). This variant is present in 69 of 1613776 alleles (0.0043%) in the gnomAD v4.0.0 population dataset. Multiple bioinformatic tools predict that this amino acid change would be damaging, and the Arg208 residue at this position is highly conserved across the vertebrate species examined. Studies examining the functional consequence of this variant have not been published, to our knowledge. At this time, there is insufficient evidence to determine if this variant is pathogenic or benign. Therefore, we consider this a variant of uncertain significance. ACMG Criteria: PM2

Literature cited by the submitters: PubMed 26749308; PubMed 31332282; PubMed 27363847.

NM_000827.4(GRIA1):c.623G>A (p.Arg208His)

Gene: GRIA1 (glutamate ionotropic receptor AMPA type subunit 1; plus strand). Cytogenetic location: 5q33.2.
Variant type: single nucleotide variant.
Coding change: c.623G>A on transcript NM_000827.4 (MANE Select); coding-DNA position 623, G replaced by A.
Protein change: p.Arg208His; replaces arginine 208 with histidine.
Molecular consequence: missense variant. On other transcripts: non-coding transcript variant (2).
Genome position (GRCh38, 1-based): chr5:153,650,492, G>A. VCF-style: chr5-153650492-G-A. GRCh37 (hg19) VCF-style: chr5-153030052-G-A.
Other names: c.623G>A, p.Arg208His (NM_001114183.2, NM_001364165.2); c.383G>A, p.Arg128His (NM_001258019.2); c.338G>A, p.Arg113His (NM_001258020.2); c.653G>A, p.Arg218His (NM_001258021.2, NM_001258022.2); c.416G>A, p.Arg139His (NM_001258023.1, NM_001364167.2); c.650G>A, p.Arg217His (NM_001364166.2); short protein forms R113H, R128H, R139H, R208H, R217H, R218H.
Identifiers: ClinVar variation 3376417 (VCV003376417.1).